The following is an entry in ClinVar:

ClinVar aggregate classification (germline): Uncertain significance (1 of 4 stars; one submission).

Allele frequency attached by ClinVar (database versions not stated): gnomAD exomes below 0.00001.
gnomAD v4.1: 6 of 1,613,966 alleles (0.00037%); highest among the groups gnomAD compares: Non-Finnish European, 0.00051%; no homozygotes.

Submission:

Labcorp Genetics (formerly Invitae), Labcorp
Classification: Uncertain significance. Last evaluated: 2024-02-24. Review status: criteria provided, single submitter. Criteria: Invitae Variant Classification Sherloc (09022015). Collection method: clinical testing. Allele origin: germline.
Comment: This sequence change replaces alanine, which is neutral and non-polar, with valine, which is neutral and non-polar, at codon 41 of the RFWD3 protein (p.Ala41Val). This variant is not present in population databases (gnomAD no frequency). This variant has not been reported in the literature in individuals affected with RFWD3-related conditions. ClinVar contains an entry for this variant (Variation ID: 2128440). Algorithms developed to predict the effect of missense changes on protein structure and function output the following: SIFT: "Not Available"; PolyPhen-2: "Benign"; Align-GVGD: "Not Available". The valine amino acid residue is found in multiple mammalian species, which suggests that this missense change does not adversely affect protein function. In summary, the available evidence is currently insufficient to determine the role of this variant in disease. Therefore, it has been classified as a Variant of Uncertain Significance.

NM_018124.4(RFWD3):c.122C>T (p.Ala41Val)

Gene: RFWD3 (ring finger and WD repeat domain 3; minus strand). Cytogenetic location: 16q23.1.
Variant type: single nucleotide variant.
Coding change: c.122C>T on transcript NM_018124.4 (MANE Select); coding-DNA position 122, C replaced by T.
Protein change: p.Ala41Val; replaces alanine 41 with valine.
Molecular consequence: missense variant. On other transcripts: 5 prime UTR variant (4), intron variant (1).
Genome position (GRCh38, 1-based): chr16:74,661,328, G>A on the plus strand (C>T on the coding strand, the complement: RFWD3 is on the minus strand). VCF-style: chr16-74661328-G-A. GRCh37 (hg19) VCF-style: chr16-74695226-G-A.
Other names: c.122C>T, p.Ala41Val (NM_001370534.1, NM_001370535.1, NM_001370536.1); c.-887C>T (NM_001370537.1); c.-510C>T (NM_001370539.1, NM_001370541.1); c.-764C>T (NM_001370542.1); c.-642C>T (NM_001370543.1); c.-317+3296C>T (NM_001370540.1); short protein forms A41V.
Identifiers: ClinVar variation 2128440 (VCV002128440.4), dbSNP rs905766710, ClinGen allele CA283771031.